The following is an entry in ClinVar:

ClinVar aggregate classification (germline): Benign/Likely benign. Review status: criteria provided, multiple submitters, no conflicts (2 of 4 stars). 11 submissions from 11 submitters: Benign (6); Likely benign (2). 3 of the submissions do not count toward it. Last evaluated 2026-02-01.

Conditions:
Cardiomyopathy (CMYO). Also called: Cardiomyopathies. Identifiers: Orphanet 167848, MedGen C0878544, MONDO:0004994, HP:0001638. Inheritance: Various modes of inheritance.
Dilated cardiomyopathy 1O (CMD1O). Also called: CARDIOMYOPATHY, DILATED, WITH VENTRICULAR TACHYCARDIA. Identifiers: Orphanet 154, MedGen C1837839, MONDO:0012062, OMIM 608569.

Allele frequency attached by ClinVar (database versions not stated): gnomAD exomes 0.00009 and 0.00039; 1000 Genomes Project 30x 0.00047; ExAC 0.00058; 1000 Genomes Project 0.00060; gnomAD 0.00131 and 0.00140; TOPMed 0.00135; ESP Exome Variant Server 0.00169.
gnomAD v4.1: 347 of 1,613,722 alleles (0.022%); highest among the groups gnomAD compares: African/African-American, 0.4%; 3 homozygotes.

Submissions (11):

Labcorp Genetics (formerly Invitae), Labcorp
Classification: Benign for Dilated cardiomyopathy 1O. Last evaluated: 2026-02-01. Review status: criteria provided, single submitter. Criteria: Invitae Variant Classification Sherloc (09022015). Collection method: clinical testing. Allele origin: germline.

Mayo Clinic Laboratories, Mayo Clinic
Classification: Likely benign. Last evaluated: 2025-11-16. Review status: criteria provided, single submitter. Criteria: ACMG Guidelines, 2015. Collection method: clinical testing. Allele origin: germline. Observed: 1 variant allele.
Comment: BS1, BP4, BP7

Blueprint Genetics
Classification: Likely benign. Last evaluated: 2024-11-27. Review status: criteria provided, single submitter. Criteria: ACMG Guidelines, 2015. Collection method: clinical testing. Allele origin: germline.

ARUP Laboratories, Molecular Genetics and Genomics, ARUP Laboratories
Classification: Benign. Last evaluated: 2022-02-08. Review status: criteria provided, single submitter. Criteria: ARUP Molecular Germline Variant Investigation Process 2021. Collection method: clinical testing. Allele origin: germline.

Women's Health and Genetics/Laboratory Corporation of America, LabCorp
Classification: Benign. Last evaluated: 2019-06-03. Review status: criteria provided, single submitter. Criteria: LabCorp Variant Classification Summary - May 2015. Collection method: clinical testing. Allele origin: germline.
Comment: Variant summary: ABCC9 c.924T>C alters a non-conserved nucleotide resulting in a synonymous change. 4/4 computational tools predict no significant impact on normal splicing. However, these predictions have yet to be confirmed by functional studies. The variant allele was found at a frequency of 0.00039 in 250970 control chromosomes. The observed variant frequency is approximately 15 fold of the estimated maximal expected allele frequency for a pathogenic variant in ABCC9 causing Cardiomyopathy phenotype (2.5e-05), strongly suggesting that the variant is benign. To our knowledge, no occurrence of c.924T>C in individuals affected with Cardiomyopathy and no experimental evidence demonstrating its impact on protein function have been reported. Co-occurrences with other pathogenic variant(s) have been reported (TTR c.424G>A, p.Val142Ile) at our laboratory, providing supporting evidence for a benign role. Three clinical diagnostic laboratories have submitted clinical-significance assessments for this variant to ClinVar after 2014 without evidence for independent evaluation. All laboratories classified the variant as benign. Based on the evidence outlined above, the variant was classified as benign.

CHEO Genetics Diagnostic Laboratory, Children's Hospital of Eastern Ontario
Classification: Benign for Cardiomyopathy. Last evaluated: 2016-06-17. Review status: criteria provided, single submitter. Criteria: ACMG Guidelines, 2015. Collection method: clinical testing. Allele origin: germline. Study: Canadian Open Genetics Repository.

GeneDx
Classification: Benign. Last evaluated: 2015-06-25. Review status: criteria provided, single submitter. Criteria: GeneDx Variant Classification (06012015). Collection method: clinical testing. Allele origin: germline. Affected: yes.
Comment: This variant is considered likely benign or benign based on one or more of the following criteria: it is a conservative change, it occurs at a poorly conserved position in the protein, it is predicted to be benign by multiple in silico algorithms, and/or has population frequency not consistent with disease.

Laboratory for Molecular Medicine, Mass General Brigham Personalized Medicine
Classification: Benign. Last evaluated: 2012-02-07. Review status: criteria provided, single submitter. Criteria: LMM Criteria. Collection method: clinical testing. Allele origin: germline. Observed: 4 variant alleles.
Comment: Asp308Asp in exon 6 in ABCC9: This variant is classified as benign based on its high frequency in the general population (dbSNP rs139127928; NHLBI Exome Sequenc ing Project).

Clinical Genetics DNA and cytogenetics Diagnostics Lab, Erasmus MC, Erasmus Medical Center
Classification: Likely benign. Review status: no assertion criteria provided. Collection method: clinical testing. Allele origin: germline. Affected: yes. Study: VKGL Data-share Consensus. Not counted in ClinVar's aggregate classification.

Genome Diagnostics Laboratory, University Medical Center Utrecht
Classification: Benign. Review status: no assertion criteria provided. Collection method: clinical testing. Allele origin: germline. Affected: yes. Study: VKGL Data-share Consensus. Not counted in ClinVar's aggregate classification.

Joint Genome Diagnostic Labs from Nijmegen and Maastricht, Radboudumc and MUMC+
Classification: Benign. Review status: no assertion criteria provided. Collection method: clinical testing. Allele origin: germline. Affected: yes. Study: VKGL Data-share Consensus. Not counted in ClinVar's aggregate classification.

NM_020297.4(ABCC9):c.924T>C (p.Asp308=)

Gene: ABCC9 (ATP binding cassette subfamily C member 9; minus strand). Cytogenetic location: 12p12.1.
Variant type: single nucleotide variant.
Coding change: c.924T>C on transcript NM_020297.4 (MANE Select); coding-DNA position 924, T replaced by C.
Protein change: p.Asp308=; no amino-acid change (aspartic acid 308 retained).
Molecular consequence: synonymous variant.
Genome position (GRCh38, 1-based): chr12:21,912,959, A>G on the plus strand (T>C on the coding strand, the complement: ABCC9 is on the minus strand). VCF-style: chr12-21912959-A-G. GRCh37 (hg19) VCF-style: chr12-22065893-A-G.
Other names: p.Asp308=; c.924T>C, p.Asp308= (NM_001377273.1, NM_005691.4); c.60T>C, p.Asp20= (NM_001377274.1).
Identifiers: ClinVar variation 45424 (VCV000045424.32), dbSNP rs139127928, ClinGen allele CA136317.